The following is an entry in ClinVar:

NM_001040108.2(MLH3):c.3339A>C (p.Arg1113Ser)

Gene: MLH3 (mutL homolog 3; minus strand). Cytogenetic location: 14q24.3.
Variant type: single nucleotide variant.
Coding change: c.3339A>C on transcript NM_001040108.2 (MANE Select); coding-DNA position 3339, A replaced by C.
Protein change: p.Arg1113Ser; replaces arginine 1113 with serine.
Molecular consequence: missense variant.
Genome position (GRCh38, 1-based): chr14:75,042,419, T>G on the plus strand (A>C on the coding strand, the complement: MLH3 is on the minus strand). VCF-style: chr14-75042419-T-G. GRCh37 (hg19) VCF-style: chr14-75509122-T-G.
Other names: c.3339A>C, p.Arg1113Ser (NM_014381.3); short protein forms R1113S.
Identifiers: ClinVar variation 3295168 (VCV003295168.1).

ClinVar aggregate classification (germline): Uncertain significance (1 of 4 stars; one submission).

Submission:

Ambry Genetics
Classification: Uncertain significance. Last evaluated: 2024-06-21. Review status: criteria provided, single submitter. Criteria: Ambry Variant Classification Scheme 2023. Collection method: clinical testing. Allele origin: germline.
Comment: The p.R1113S variant (also known as c.3339A>C), located in coding exon 2 of the MLH3 gene, results from an A to C substitution at nucleotide position 3339. The arginine at codon 1113 is replaced by serine, an amino acid with dissimilar properties. This amino acid position is conserved. In addition, the in silico prediction for this alteration is inconclusive. Based on the available evidence, the clinical significance of this variant remains unclear.